The following is an entry in ClinVar:

NM_000264.5(PTCH1):c.3306+5G>A

Gene: PTCH1 (patched 1; minus strand). Cytogenetic location: 9q22.32.
Variant type: single nucleotide variant.
Coding change: c.3306+5G>A on transcript NM_000264.5 (MANE Select); 5 bases into the intron after coding-DNA position 3306, G replaced by A.
Molecular consequence: intron variant.
Genome position (GRCh38, 1-based): chr9:95,456,271, C>T on the plus strand (G>A on the coding strand, the complement: PTCH1 is on the minus strand). VCF-style: chr9-95456271-C-T. GRCh37 (hg19) VCF-style: chr9-98218553-C-T.
Other names: c.3303+5G>A (NM_001083603.3); c.3108+5G>A (NM_001083602.3); c.3150+5G>A (NM_001354918.2); c.2853+5G>A (NM_001083605.3, NM_001083604.3, NM_001083606.3 and 1 more transcripts).
Identifiers: ClinVar variation 135889 (VCV000135889.2), dbSNP rs587780701, ClinGen allele CA332531.

ClinVar aggregate classification (germline): Uncertain significance. Review status: criteria provided, single submitter (1 of 4 stars). 2 submissions from 2 submitters: Uncertain significance (1). 1 of the submissions does not count toward it. Last evaluated 2025-07-18.

Conditions:
Hereditary cancer-predisposing syndrome. Also called: Tumor predisposition; Hereditary neoplastic syndrome; Neoplastic Syndromes, Hereditary; Hereditary Cancer Syndrome. Identifiers: Orphanet 140162, MedGen C0027672, MeSH D009386, MONDO:0015356.
Gorlin syndrome. Also called: Nevoid Basal Cell Carcinoma Syndrome; Basal cell nevus syndrome. Identifiers: Orphanet 377, MedGen C0004779, MONDO:0007187.

Allele frequency attached by ClinVar (database versions not stated): TOPMed below 0.00001.

Submissions (2):

Ambry Genetics
Classification: Uncertain significance for Hereditary cancer-predisposing syndrome. Last evaluated: 2025-07-18. Review status: criteria provided, single submitter. Criteria: Ambry Variant Classification Scheme 2023. Collection method: clinical testing. Allele origin: germline.
Comment: The c.3306+5G>A intronic variant results from a G to A substitution 5 nucleotides after coding exon 19 in the PTCH1 gene. This nucleotide position is highly conserved in available vertebrate species. In silico splice site analysis predicts that this alteration will not have any significant effect on splicing. Based on the available evidence, the clinical significance of this variant remains unclear.

Labcorp Genetics (formerly Invitae), Labcorp
Classification: Uncertain significance for Gorlin syndrome. Last evaluated: 2014-06-11. Review status: no assertion criteria provided. Collection method: clinical testing. Allele origin: germline. Not counted in ClinVar's aggregate classification.
Comment: The interpretation for this sequence variant was made by Invitae based on the ACMG guidelines.